The following is an entry in ClinVar:

NM_001367561.1(DOCK7):c.5746G>C (p.Val1916Leu)

Gene: DOCK7 (dedicator of cytokinesis 7; minus strand). Cytogenetic location: 1p31.3.
Variant type: single nucleotide variant.
Coding change: c.5746G>C on transcript NM_001367561.1 (MANE Select); coding-DNA position 5746, G replaced by C.
Protein change: p.Val1916Leu; replaces valine 1916 with leucine.
Molecular consequence: missense variant.
Genome position (GRCh38, 1-based): chr1:62,475,922, C>G on the plus strand (G>C on the coding strand, the complement: DOCK7 is on the minus strand). VCF-style: chr1-62475922-C-G. GRCh37 (hg19) VCF-style: chr1-62941593-C-G.
Other names: c.5713G>C, p.Val1905Leu (NM_001271999.2); c.5626G>C, p.Val1876Leu (NM_001272000.2); c.5620G>C, p.Val1874Leu (NM_001272001.2); c.5719G>C, p.Val1907Leu (NM_001330614.2); c.5653G>C, p.Val1885Leu (NM_033407.4); short protein forms V1905L, V1907L, V1916L, V1874L, V1876L, V1885L.
Identifiers: ClinVar variation 1439707 (VCV001439707.4), dbSNP rs146557825, ClinGen allele CA23749023.

ClinVar aggregate classification (germline): Uncertain significance (1 of 4 stars; one submission).

Conditions:
Developmental and epileptic encephalopathy, 23 (DEE23). Also called: Epileptic encephalopathy, early infantile, 23. Identifiers: Orphanet 411986, MedGen C4014492, MONDO:0014371, OMIM 615859.

Allele frequency attached by ClinVar (database versions not stated): gnomAD 0.00001.
gnomAD v4.1: 1 of 1,613,748 alleles (0.000062%); highest among the groups gnomAD compares: Admixed American, 0.0017%; no homozygotes.

Submission:

Labcorp Genetics (formerly Invitae), Labcorp
Classification: Uncertain significance for Developmental and epileptic encephalopathy, 23. Last evaluated: 2021-11-01. Review status: criteria provided, single submitter. Criteria: Invitae Variant Classification Sherloc (09022015). Collection method: clinical testing. Allele origin: germline.
Comment: In summary, the available evidence is currently insufficient to determine the role of this variant in disease. Therefore, it has been classified as a Variant of Uncertain Significance. Algorithms developed to predict the effect of missense changes on protein structure and function (SIFT, PolyPhen-2, Align-GVGD) all suggest that this variant is likely to be disruptive. This variant has not been reported in the literature in individuals affected with DOCK7-related conditions. This variant is present in population databases (no rsID available, gnomAD 0.1%). This sequence change replaces valine, which is neutral and non-polar, with leucine, which is neutral and non-polar, at codon 1905 of the DOCK7 protein (p.Val1905Leu).